The following is an entry in ClinVar:

ClinVar aggregate classification (germline): Likely benign (0 of 4 stars; one submission).

Conditions:
H1-4-related disorder. Also called: H1-4-related condition.

Allele frequency attached by ClinVar (database versions not stated): gnomAD 0.00001; gnomAD exomes 0.00001; ExAC 0.00002; ESP Exome Variant Server 0.00008.

Submission:

PreventionGenetics, part of Exact Sciences
Classification: Likely benign for H1-4-related condition. Last evaluated: 2022-04-04. Review status: no assertion criteria provided. Collection method: clinical testing. Allele origin: germline.
Comment: This variant is classified as likely benign based on ACMG/AMP sequence variant interpretation guidelines (Richards et al. 2015 PMID: 25741868, with internal and published modifications).

NM_005321.3(H1-4):c.111G>A (p.Gly37=)

Gene: H1-4 (H1.4 linker histone, cluster member; plus strand). Cytogenetic location: 6p22.2.
Variant type: single nucleotide variant.
Coding change: c.111G>A on transcript NM_005321.3 (MANE Select); coding-DNA position 111, G replaced by A.
Protein change: p.Gly37=; no amino-acid change (glycine 37 retained).
Molecular consequence: synonymous variant.
Genome position (GRCh38, 1-based): chr6:26,156,501, G>A. VCF-style: chr6-26156501-G-A. GRCh37 (hg19) VCF-style: chr6-26156729-G-A.
Identifiers: ClinVar variation 3032188 (VCV003032188.2), dbSNP rs370379784, ClinGen allele CA3667908.